The following is an entry in ClinVar:

NM_001008537.3(NEXMIF):c.1031C>T (p.Thr344Ile)

Gene: NEXMIF (neurite extension and migration factor; minus strand). Cytogenetic location: Xq13.3.
Variant type: single nucleotide variant.
Coding change: c.1031C>T on transcript NM_001008537.3 (MANE Select); coding-DNA position 1031, C replaced by T.
Protein change: p.Thr344Ile; replaces threonine 344 with isoleucine.
Molecular consequence: missense variant.
Genome position (GRCh38, 1-based): chrX:74,743,526, G>A on the plus strand (C>T on the coding strand, the complement: NEXMIF is on the minus strand). VCF-style: chrX-74743526-G-A. GRCh37 (hg19) VCF-style: chrX-73963361-G-A.
Other names: short protein forms T344I.
Identifiers: ClinVar variation 3370678 (VCV003370678.1).

ClinVar aggregate classification (germline): Uncertain significance (1 of 4 stars; one submission).

Submission:

GeneDx
Classification: Uncertain significance. Last evaluated: 2024-03-06. Review status: criteria provided, single submitter. Criteria: GeneDx Variant Classification Process June 2021. Collection method: clinical testing. Allele origin: germline. Affected: yes.
Comment: Not observed at significant frequency in large population cohorts (gnomAD); In silico analysis supports that this missense variant has a deleterious effect on protein structure/function; Has not been previously published as pathogenic or benign to our knowledge